The following is an entry in ClinVar:

ClinVar aggregate classification (germline): Pathogenic (1 of 4 stars; one submission).

Conditions:
Carnitine palmitoyltransferase II deficiency. Also called: Carnitine Palmitoyltransferase 2 Deficiency. Identifiers: Orphanet 157, MedGen C0342790, MONDO:0015515.

Submission:

Labcorp Genetics (formerly Invitae), Labcorp
Classification: Pathogenic for Carnitine palmitoyltransferase II deficiency. Last evaluated: 2019-02-01. Review status: criteria provided, single submitter. Criteria: Invitae Variant Classification Sherloc (09022015). Collection method: clinical testing. Allele origin: germline.
Comment: This sequence change inserts a large fragment of DNA, likely a transposable element, in exon 4 of the CPT2 gene (c.1152_1153ins129), causing a frameshift at codon 384 (p.Phe384fs). The exact size and sequence of the insertion cannot be determined by the current assay. However, the insertion is expected to result in an absent or disrupted protein product. This variant is not present in population databases (ExAC no frequency). This variant has not been reported in the literature in individuals with CPT2-related conditions. Retrotransposon insertions including LINE1 (L1), Alu, and SVA (SINE-VNTR-Alu) have been reported to be disease-causing through disruption of either a coding region or splice site (PMID: 19763152, 20307669, 22406018) and loss-of-function variants in CPT2 are known to be pathogenic (PMID: 16781677, 16996287). For these reasons, this variant has been classified as Pathogenic.

Literature cited by the submitters: PubMed 20307669; PubMed 22406018; PubMed 19763152; PubMed 16781677; PubMed 16996287.

NM_000098.3(CPT2):c.1152_1153insSVAelement

Gene: CPT2 (carnitine palmitoyltransferase 2; plus strand). Cytogenetic location: 1p32.3.
Variant type: Insertion.
Coding change: c.1152_1153insSVAelement on transcript NM_000098.3; coding-DNA positions 1152 to 1153, an insertion.
Other names: NM_000098.2:c.1152_1153insSVA.
Identifiers: ClinVar variation 870227 (VCV000870227.1).